The following is an entry in ClinVar:

NM_032217.5(ANKRD17):c.7165T>C (p.Ser2389Pro)

Gene: ANKRD17 (ankyrin repeat domain 17; minus strand). Cytogenetic location: 4q13.3.
Variant type: single nucleotide variant.
Coding change: c.7165T>C on transcript NM_032217.5 (MANE Select); coding-DNA position 7165, T replaced by C.
Protein change: p.Ser2389Pro; replaces serine 2389 with proline.
Molecular consequence: missense variant.
Genome position (GRCh38, 1-based): chr4:73,078,885, A>G on the plus strand (T>C on the coding strand, the complement: ANKRD17 is on the minus strand). VCF-style: chr4-73078885-A-G. GRCh37 (hg19) VCF-style: chr4-73944602-A-G.
Other names: c.6826T>C, p.Ser2276Pro (NM_001286771.3); c.7162T>C, p.Ser2388Pro (NM_015574.2); c.6412T>C, p.Ser2138Pro (NM_198889.3); short protein forms S2138P, S2276P, S2388P, S2389P.
Identifiers: ClinVar variation 4891144 (VCV004891144.1).

ClinVar aggregate classification (germline): Uncertain significance (1 of 4 stars; one submission).

Submission:

Greenwood Genetic Center Diagnostic Laboratories, Greenwood Genetic Center
Classification: Uncertain significance. Last evaluated: 2026-06-10. Review status: criteria provided, single submitter. Criteria: ACMG Guidelines, 2015. Collection method: clinical testing. Allele origin: germline.
Comment: PM2, BP4, PP2